The following is an entry in ClinVar:

ClinVar aggregate classification (germline): Conflicting classifications of pathogenicity. Review status: criteria provided, conflicting classifications (1 of 4 stars). 14 submissions from 14 submitters: Uncertain significance (9); Likely benign (3). 2 of the submissions do not count toward it. Last evaluated 2026-03-11.

Conditions:
Hereditary cancer-predisposing syndrome. Also called: Hereditary Cancer Syndrome; Tumor predisposition; Neoplastic Syndromes, Hereditary; Hereditary neoplastic syndrome. Identifiers: Orphanet 140162, MedGen C0027672, MeSH D009386, MONDO:0015356.
Hereditary breast ovarian cancer syndrome. Also called: Breast and ovarian cancer; BRCA1- and BRCA2-Associated Hereditary Breast and Ovarian Cancer; Hereditary breast and ovarian cancer; Hereditary breast and ovarian cancer syndrome (HBOC); Hereditary breast and ovarian cancer syndrome; Hereditary breast and/or ovarian cancer syndrome. Identifiers: Orphanet 145, MedGen C0677776, MeSH D061325, MONDO:0003582. Disease mechanism: loss of function.
Breast-ovarian cancer, familial, susceptibility to, 1 (BROVCA1). Also called: BRCA1 Hereditary Breast and Ovarian Cancer; OVARIAN CANCER, SUSCEPTIBILITY TO. Identifiers: Orphanet 145, MedGen C2676676, MONDO:0011450, OMIM 604370. Disease mechanism: loss of function.
Familial cancer of breast. Also called: BREAST CANCER, FAMILIAL; hereditary breast carcinoma; Hereditary breast cancer. Identifiers: Orphanet 227535, MedGen C0346153, MONDO:0016419, OMIM 114480. Disease mechanism: loss of function.

Allele frequency attached by ClinVar (database versions not stated): gnomAD exomes below 0.00001 and 0.00001.
gnomAD v4.1: 10 of 1,613,516 alleles (0.00062%); highest among the groups gnomAD compares: Non-Finnish European, 0.00085%; 1 homozygote.

Submissions (14):

German Consortium for Hereditary Breast and Ovarian Cancer, University Hospital Cologne
Classification: Likely benign for Hereditary breast ovarian cancer syndrome. Last evaluated: 2026-03-11. Review status: criteria provided, single submitter. Criteria: ClinGen BRCA1 1.2.0. Collection method: curation. Allele origin: germline.
Comment: This classification follows the ClinGen ENIGMA BRCA1 v1.2.0 classification scheme; We chose these criteria: BP1 (strong benign): missense variant outside a (potentially) clinically important functional domain AND no splicing predicted (SpliceAI ≤0.1)., BP5 (supporting benign): Combined LR score 0,26 (PMID 31853058)

Labcorp Genetics (formerly Invitae), Labcorp
Classification: Uncertain significance for Hereditary breast ovarian cancer syndrome. Last evaluated: 2025-12-22. Review status: criteria provided, single submitter. Criteria: Invitae Variant Classification Sherloc (09022015). Collection method: clinical testing. Allele origin: germline.
Comment: This sequence change replaces serine, which is neutral and polar, with alanine, which is neutral and non-polar, at codon 186 of the BRCA1 protein (p.Ser186Ala). This variant is present in population databases (rs397509298, gnomAD 0.0009%). This missense change has been observed in individual(s) with breast cancer or ovarian cancer (PMID: 12845657, 35409996). ClinVar contains an entry for this variant (Variation ID: 55633). Invitae Evidence Modeling of protein sequence and biophysical properties (such as structural, functional, and spatial information, amino acid conservation, physicochemical variation, residue mobility, and thermodynamic stability) indicates that this missense variant is expected to disrupt BRCA1 protein function with a positive predictive value of 80%. In summary, the available evidence is currently insufficient to determine the role of this variant in disease. Therefore, it has been classified as a Variant of Uncertain Significance.

Ambry Genetics
Classification: Uncertain significance for Hereditary cancer-predisposing syndrome. Last evaluated: 2025-11-12. Review status: criteria provided, single submitter. Criteria: Ambry Variant Classification Scheme 2023. Collection method: clinical testing. Allele origin: germline.
Comment: The c.556T>G (p.S186A) alteration is located in exon 8 (coding exon 7) of the BRCA1 gene. This alteration results from a T to G substitution at nucleotide position 556, causing the serine (S) at amino acid position 186 to be replaced by an alanine (A). Based on data from gnomAD, the G allele has an overall frequency of <0.001% (1/250732) total alleles studied. The highest observed frequency was 0.001% (1/113482) of European (non-Finnish) alleles. Based on insufficient or conflicting evidence, the clinical significance of this alteration remains unclear.

CeGaT Center for Human Genetics Tuebingen
Classification: Uncertain significance. Last evaluated: 2025-08-01. Review status: criteria provided, single submitter. Criteria: CeGaT Center For Human Genetics Tuebingen Variant Classification Criteria Version 2. Collection method: clinical testing. Allele origin: germline. Affected: yes. Observed: 1 variant allele.

Blueprint Genetics
Classification: Uncertain significance. Last evaluated: 2024-09-18. Review status: criteria provided, single submitter. Criteria: ACMG Guidelines, 2015. Collection method: clinical testing. Allele origin: germline.

MGZ Medical Genetics Center
Classification: Likely benign for Familial cancer of breast. Last evaluated: 2024-02-09. Review status: criteria provided, single submitter. Criteria: CSpec BRCA1/2ACMG Rules Specifications V1.1.0. Collection method: clinical testing. Allele origin: germline. Affected: yes.
Comment: ACMG codes applied following ENIGMA VCEP rules: BP1_STR, PM2_SUP

Molecular Pathology, Peter Maccallum Cancer Centre
Classification: Likely benign for Breast-ovarian cancer, familial, susceptibility to, 1. Last evaluated: 2024-01-22. Review status: criteria provided, single submitter. Criteria: ACMG Guidelines, 2015. Collection method: clinical testing. Allele origin: germline. Inheritance: Autosomal dominant inheritance.

Quest Diagnostics Nichols Institute San Juan Capistrano
Classification: Uncertain significance. Last evaluated: 2024-01-22. Review status: criteria provided, single submitter. Criteria: Quest Diagnostics criteria. Collection method: clinical testing. Allele origin: unknown.
Comment: The BRCA1 c.556T>G (p.Ser186Ala) variant has been reported in the published literature in individuals with breast cancer (PMID: 35409996 (2022), 30254663 (2018), 12845657 (2003)) and colorectal cancer (PMID: 32658311 (2021)). This variant was reported to have a significant effect on BRCA1 E3 ligase activity, however the effect on the full functionality of BRCA1 was not determined (PMID: 25823446 (2015)). The frequency of this variant in the general population, 0.000004 (1/250732 chromosomes (Genome Aggregation Database)), is uninformative in the assessment of its pathogenicity. Analysis of this variant using bioinformatics tools for the prediction of the effect of amino acid changes on protein structure and function yielded predictions that this variant is damaging. Based on the available information, we are unable to determine the clinical significance of this variant.

Clinical Genetics Laboratory, Skane University Hospital Lund
Classification: Uncertain significance. Last evaluated: 2023-12-11. Review status: criteria provided, single submitter. Criteria: ACMG Guidelines, 2015. Collection method: clinical testing. Allele origin: germline. Affected: yes.

All of Us Research Program, National Institutes of Health
Classification: Uncertain significance for Breast-ovarian cancer, familial, susceptibility to, 1. Last evaluated: 2023-07-10. Review status: criteria provided, single submitter. Criteria: ACMG Guidelines, 2015. Collection method: clinical testing. Allele origin: germline. Inheritance: Autosomal dominant inheritance. Observed: 1 variant allele, 1 heterozygote.
Comment: This missense variant replaces serine with alanine at codon 186 of the BRCA1 protein. Computational prediction suggests that this variant may have deleterious impact on protein structure and function (internally defined REVEL score threshold >= 0.7, PMID: 27666373). Functional studies reported to have examined this variant but the findings were inconclusive (PMID: 25823446, 30219179). This variant has been detected in at least four individuals affected with breast and/or ovarian cancer (PMID: 12845657, 30254663, 35409996; DOI: 10.1515/tjb-2019-0424) and in two individuals affected with colorectal cancer (PMID: 32658311). This variant has been identified in 1/250732 chromosomes in the general population by the Genome Aggregation Database (gnomAD). The available evidence is insufficient to determine the role of this variant in disease conclusively. Therefore, this variant is classified as a Variant of Uncertain Significance.

This study involves interpretation of variants in research participants for the purpose of population health screening. Participant phenotype was not available at the time of variant classification. Additional details can be found in publication PMID: 35346344, PMCID: PMC8962531

Color Diagnostics, LLC DBA Color Health
Classification: Uncertain significance for Hereditary cancer-predisposing syndrome. Last evaluated: 2023-06-21. Review status: criteria provided, single submitter. Criteria: ACMG Guidelines, 2015. Collection method: clinical testing. Allele origin: germline.
Comment: This missense variant replaces serine with alanine at codon 186 of the BRCA1 protein. Computational prediction suggests that this variant may have deleterious impact on protein structure and function (internally defined REVEL score threshold >= 0.7, PMID: 27666373). Functional studies reported to have examined this variant but the findings were inconclusive (PMID: 25823446, 30219179). This variant has been detected in at least four individuals affected with breast and/or ovarian cancer (PMID: 12845657, 30254663, 35409996; DOI: 10.1515/tjb-2019-0424) and in two individuals affected with colorectal cancer (PMID: 32658311). This variant has been identified in 1/250732 chromosomes in the general population by the Genome Aggregation Database (gnomAD). The available evidence is insufficient to determine the role of this variant in disease conclusively. Therefore, this variant is classified as a Variant of Uncertain Significance.

GeneDx
Classification: Uncertain significance. Last evaluated: 2021-11-09. Review status: criteria provided, single submitter. Criteria: GeneDx Variant Classification Process June 2021. Collection method: clinical testing. Allele origin: germline. Affected: yes.
Comment: Not observed at significant frequency in large population cohorts (Lek 2016); In silico analysis supports that this missense variant does not alter protein structure/function; Observed in individuals with a personal and/or family history of BRCA1-related cancers (de Sanjose 2003, Zuntini 2018, Bahsi 2020); Published functional studies demonstrate reduced ubiquitine ligase activity (Starita 2015); Also known as 675T>G; This variant is associated with the following publications: (PMID: 12845657, 30254663, Bahsi2020[case report], 25823446)

Department of Medical and Surgical Sciences, University of Bologna
Classification: Likely benign for Breast-ovarian cancer, familial, susceptibility to, 1. Last evaluated: 2023-09-01. Review status: no assertion criteria provided. Collection method: clinical testing. Allele origin: germline. Affected: yes. Not counted in ClinVar's aggregate classification.
Comment: PM2(Supporting)+BP1(Strong) according to ACMG/AMP classification guidelines specified for BRCA1 & BRCA2 (Classification Criteria V1.0.0 2023-09-08) (PMID: 38160042)

Counsyl
Classification: Uncertain significance for Breast-ovarian cancer, familial, susceptibility to, 1. Last evaluated: 2017-12-29. Review status: no assertion criteria provided. Collection method: clinical testing. Allele origin: unknown. Not counted in ClinVar's aggregate classification.

Literature cited by the submitters: PubMed 12845657 (cited by 5 submitters); PubMed 35409996 (cited by 4 submitters); PubMed 32658311 (cited by 3 submitters); PubMed 30254663 (cited by 3 submitters); PubMed 25823446 (cited by 4 submitters); PubMed 30219179 (cited by All of Us Research Program, National Institutes of Health and Color Diagnostics, LLC DBA Color Health).

NM_007294.4(BRCA1):c.556T>G (p.Ser186Ala)

Gene: BRCA1 (BRCA1 DNA repair associated; minus strand). Cytogenetic location: 17q21.31.
Variant type: single nucleotide variant.
Coding change: c.556T>G on transcript NM_007294.4 (MANE Select); coding-DNA position 556, T replaced by G.
Protein change: p.Ser186Ala; replaces serine 186 with alanine.
Molecular consequence: missense variant. On other transcripts: non-coding transcript variant (1).
Genome position (GRCh38, 1-based): chr17:43,097,281, A>C on the plus strand (T>G on the coding strand, the complement: BRCA1 is on the minus strand). VCF-style: chr17-43097281-A-C. GRCh37 (hg19) VCF-style: chr17-41249298-A-C.
Other names: c.343T>G, p.Ser115Ala (NM_001407571.1, NM_001407853.1, NM_001407894.1 and 12 more transcripts); c.556T>G, p.Ser186Ala (NM_001407581.1, NM_001407582.1, NM_001407583.1 and 59 more transcripts); c.553T>G, p.Ser185Ala (NM_001407587.1, NM_001407590.1, NM_001407591.1 and 41 more transcripts); c.547T>G, p.Ser183Ala (NM_001407646.1, NM_001407647.1, NM_001408408.1); c.478T>G, p.Ser160Ala (NM_001407653.1, NM_001407654.1, NM_001407655.1 and 9 more transcripts); c.475T>G, p.Ser159Ala (NM_001407659.1, NM_001407660.1, NM_001407661.1 and 3 more transcripts); c.415T>G, p.Ser139Ala (NM_001407692.1, NM_001407694.1, NM_001407695.1 and 43 more transcripts); c.412T>G, p.Ser138Ala (NM_001407740.1, NM_001407741.1, NM_001407742.1 and 26 more transcripts); and 4 more; short protein forms S186A, S139A, S138A, S159A, S160A, S183A, S58A, S59A.
Identifiers: ClinVar variation 55633 (VCV000055633.39), dbSNP rs397509298, ClinGen allele CA003723.